The following is an entry in ClinVar:

NM_000441.2(SLC26A4):c.11dup (p.Gly5fs)

Genes: SLC26A4 (solute carrier family 26 member 4; plus strand), SLC26A4-AS1 (SLC26A4 antisense RNA 1; minus strand). Cytogenetic location: 7q22.3.
Variant type: Duplication.
Coding change: c.11dup on transcript NM_000441.2 (MANE Select); coding-DNA position 11, one base duplicated (C; older notation c.11dupC).
Protein change: p.Gly5fs; shifts the reading frame from glycine 5.
Molecular consequence: frameshift variant. On other transcripts: non-coding transcript variant (1).
Genome position (GRCh38, 1-based): chr7:107,661,652, C duplicated; the last of 2 consecutive C bases (chr7:107,661,651-107,661,652); duplicating either gives the same sequence. VCF-style (leftmost placement, unchanged base first): chr7-107661650-G-GC. GRCh37 (hg19) VCF-style: chr7-107302095-G-GC.
Other names: short protein forms G5fs.
Identifiers: ClinVar variation 5012133 (VCV005012133.1).

ClinVar aggregate classification (germline): Pathogenic (1 of 4 stars; one submission).

Conditions:
Pendred syndrome (PDS). Also called: DEAFNESS WITH GOITER; GOITER-DEAFNESS SYNDROME; HYPOTHYROIDISM, CONGENITAL, DUE TO DYSHORMONOGENESIS, 2B; THYROID DYSHORMONOGENESIS 2B; THYROID HORMONOGENESIS, GENETIC DEFECT IN, 2B; Pendred's syndrome. Identifiers: Orphanet 705, MedGen C0271829, MONDO:0010134, OMIM 274600.

Submission:

Myriad Genetics, Inc.
Classification: Pathogenic for Pendred syndrome. Last evaluated: 2023-09-27. Review status: criteria provided, single submitter. Criteria: Myriad Autosomal Dominant, Autosomal Recessive and X-Linked Classification Criteria (2023). Collection method: clinical testing. Allele origin: unknown.
Comment: NM_000441.1(SLC26A4):c.11dupC(G5Rfs*82) is expected to be pathogenic in the context of Pendred syndrome. This variant is predicted to lead to an abnormal or absent protein product due to the creation of a premature termination codon in SLC26A4, a gene where loss-of-function variants are known to be pathogenic. Please note: this variant was assessed in the context of healthy population screening.